The following is an entry in ClinVar:

ClinVar aggregate classification (germline): Uncertain significance (1 of 4 stars; one submission).

Conditions:
Sjögren-Larsson syndrome (SLS). Also called: FALDH DEFICIENCY; FATTY ALCOHOL:NAD+ OXIDOREDUCTASE DEFICIENCY; FATTY ALDEHYDE DEHYDROGENASE DEFICIENCY; ICHTHYOSIS, SPASTIC NEUROLOGIC DISORDER, AND OLIGOPHRENIA. Identifiers: Orphanet 816, MedGen C0037231, MONDO:0010031, OMIM 270200.

Submission:

Myriad Genetics, Inc.
Classification: Uncertain significance for Sjögren-Larsson syndrome. Last evaluated: 2025-12-23. Review status: criteria provided, single submitter. Criteria: Myriad Autosomal Dominant, Autosomal Recessive and X-Linked Classification Criteria (2023). Collection method: clinical testing. Allele origin: unknown.
Comment: NM_000382.2(ALDH3A2):c.759_764del6(N255_Q256del) is an in-frame deletion classified as a variant of uncertain significance in the context of Sjogren-Larsson syndrome. N255_Q256del has not been observed in cases with relevant disease. Relevant functional assessments of this variant are not available in the literature. N255_Q256del has not been observed in referenced population frequency databases. In summary, there is insufficient evidence to classify NM_000382.2(ALDH3A2):c.759_764del6(N255_Q256del) as pathogenic or benign. Please note: this variant was assessed in the context of healthy population screening.

NM_000382.3(ALDH3A2):c.759_764del (p.Asn255_Gln256del)

Gene: ALDH3A2 (aldehyde dehydrogenase 3 family member A2; plus strand). Cytogenetic location: 17p11.2.
Variant type: Deletion.
Coding change: c.759_764del on transcript NM_000382.3 (MANE Select); coding-DNA positions 759 to 764, 6 bases deleted (CCAAAA; older notation c.759_764delCCAAAA).
Protein change: p.Asn255_Gln256del.
Molecular consequence: inframe deletion.
Genome position (GRCh38, 1-based): chr17:19,657,823-19,657,828, CCAAAA deleted. VCF-style (leftmost placement, unchanged base first): chr17-19657822-TCCAAAA-T. GRCh37 (hg19) VCF-style: chr17-19561135-TCCAAAA-T.
Other names: c.759_764del, p.Asn255_Gln256del (NM_001031806.2, NM_001369136.1, NM_001369137.2 and 3 more transcripts); c.180_185del, p.Asn62_Gln63del (NM_001369148.2).
Identifiers: ClinVar variation 5003982 (VCV005003982.1).
Genomic context (GRCh38, chr17:19,657,822, plus strand): 5'-AATACATGAATTGTGGCCAAACCTGCATTGCACCCGACTATATTCTCTGTGAAGCATCCC[TCCAAAA>T]TCAAATTGTATGGAAGATTAAGGAAACAGTGAAGGTTTGTATTAAAAACATCTGATTCCA-3'